The following is an entry in ClinVar:

ClinVar aggregate classification (germline): Uncertain significance (1 of 4 stars; one submission).

Conditions:
MRAP2-related disorder. Also called: MRAP2-related condition.

Allele frequency attached by ClinVar (database versions not stated): TOPMed 0.00014; gnomAD 0.00017.

Submission:

PreventionGenetics, part of Exact Sciences
Classification: Uncertain significance for MRAP2-related condition. Last evaluated: 2026-06-24. Review status: criteria provided, single submitter. Criteria: ACMG Guidelines, 2015. Collection method: clinical testing. Allele origin: germline.
Comment: The MRAP2 c.62+1delG variant is predicted to result in a deletion affecting a canonical splice site. This variant alters the canonical splice donor site and is expected to modify splicing (SpliceAI, Jaganathan K, et al. 2019. PubMed ID: 30661751). Of note, in the primary transcript (NM_138409.3) this variant is located deeper in the intron (c.228-1809delG). To our knowledge, this variant has not been reported in the literature. This variant is reported in 0.013% of alleles in individuals of European (Non-Finnish) descent in gnomAD. At this time, the clinical significance of this variant is uncertain due to the absence of conclusive functional and genetic evidence.

NM_138409.4(MRAP2):c.228-1809del

Gene: MRAP2 (melanocortin 2 receptor accessory protein 2; plus strand). Cytogenetic location: 6q14.2.
Variant type: Deletion.
Coding change: c.228-1809del on transcript NM_138409.4 (MANE Select); 1809 bases into the intron before coding-DNA position 228, one base deleted (G; older notation c.228-1809delG).
Molecular consequence: intron variant. On other transcripts: splice donor variant (1).
Genome position (GRCh38, 1-based): chr6:84,087,282, G deleted. VCF-style (leftmost placement, unchanged base first): chr6-84087281-CG-C. GRCh37 (hg19) VCF-style: chr6-84797000-CG-C.
Other names: c.228-1809del (NM_001346542.2, NM_001346544.2); c.62+1del (NM_001346543.2); c.-31-1809del (NM_001346541.2).
Identifiers: ClinVar variation 3043449 (VCV003043449.3), dbSNP rs774998380, ClinGen allele CA141992453.